The following is an entry in ClinVar:

NM_001184880.2(PCDH19):c.2848+1G>A

Gene: PCDH19 (protocadherin 19; minus strand). Cytogenetic location: Xq22.1.
Variant type: single nucleotide variant.
Coding change: c.2848+1G>A on transcript NM_001184880.2 (MANE Select); the canonical splice donor site of the intron after coding-DNA position 2848, G replaced by A.
Molecular consequence: splice donor variant.
Genome position (GRCh38, 1-based): chrX:100,341,902, C>T on the plus strand (G>A on the coding strand, the complement: PCDH19 is on the minus strand). VCF-style: chrX-100341902-C-T. GRCh37 (hg19) VCF-style: chrX-99596900-C-T.
Other names: c.2704+1G>A (NM_020766.3); c.2707+1G>A (NM_001105243.2).
Identifiers: ClinVar variation 2859953 (VCV002859953.3), dbSNP rs2520674759, ClinGen allele CA413999695.

ClinVar aggregate classification (germline): Pathogenic (1 of 4 stars; one submission).

Conditions:
Developmental and epileptic encephalopathy, 9 (DEE9). Also called: Early infantile epileptic encephalopathy 9; PCDH19-Related X-Linked Female-Limited Epilepsy with Mental Retardation; JUBERG-HELLMAN SYNDROME; EPILEPSY, FEMALE-RESTRICTED, WITH MENTAL RETARDATION. Identifiers: Orphanet 101039, Orphanet 2076, MedGen C1848137, MONDO:0010246, OMIM 300088. Disease mechanism: loss of function.

Submission:

Labcorp Genetics (formerly Invitae), Labcorp
Classification: Pathogenic for Developmental and epileptic encephalopathy, 9. Last evaluated: 2023-04-28. Review status: criteria provided, single submitter. Criteria: Invitae Variant Classification Sherloc (09022015). Collection method: clinical testing. Allele origin: germline.
Comment: For these reasons, this variant has been classified as Pathogenic. This variant disrupts a region of the PCDH19 protein in which other variant(s) (p.Tyr1083Serfs*47) have been determined to be pathogenic (Invitae). This suggests that this is a clinically significant region of the protein, and that variants that disrupt it are likely to be disease-causing. Variants that disrupt the consensus splice site are a relatively common cause of aberrant splicing (PMID: 17576681, 9536098). Algorithms developed to predict the effect of sequence changes on RNA splicing suggest that this variant may disrupt the consensus splice site. This variant has not been reported in the literature in individuals affected with PCDH19-related conditions. This variant is not present in population databases (gnomAD no frequency). This sequence change affects a donor splice site in intron 5 of the PCDH19 gene. While this variant is not anticipated to result in nonsense mediated decay, it likely alters RNA splicing and results in a disrupted protein product.

Literature cited by the submitters: PubMed 17576681; PubMed 9536098.